The following is an entry in ClinVar:

ClinVar aggregate classification (germline): Uncertain significance (1 of 4 stars; one submission).

Conditions:
Idiopathic generalized epilepsy. Also called: Generalised epilepsy; EIG. Identifiers: MedGen C0270850, MONDO:0005579, OMIM 600669.

Allele frequency attached by ClinVar (database versions not stated): gnomAD exomes below 0.00001 and 0.00001; ExAC 0.00002.
gnomAD v4.1: 3 of 1,613,856 alleles (0.00019%); highest among the groups gnomAD compares: Non-Finnish European, 0.00025%; no homozygotes.

Submission:

Labcorp Genetics (formerly Invitae), Labcorp
Classification: Uncertain significance for Idiopathic generalized epilepsy. Last evaluated: 2021-11-22. Review status: criteria provided, single submitter. Criteria: Invitae Variant Classification Sherloc (09022015). Collection method: clinical testing. Allele origin: germline.
Comment: This sequence change replaces asparagine, which is neutral and polar, with isoleucine, which is neutral and non-polar, at codon 84 of the RBFOX1 protein (p.Asn84Ile). This variant is present in population databases (rs753108920, gnomAD 0.003%). This variant has not been reported in the literature in individuals affected with RBFOX1-related conditions. Algorithms developed to predict the effect of missense changes on protein structure and function are either unavailable or do not agree on the potential impact of this missense change (SIFT: "Deleterious"; PolyPhen-2: "Possibly Damaging"; Align-GVGD: "Class C0"). In summary, the available evidence is currently insufficient to determine the role of this variant in disease. Therefore, it has been classified as a Variant of Uncertain Significance.

NM_018723.4(RBFOX1):c.191A>T (p.Asn64Ile)

Gene: RBFOX1 (RNA binding fox-1 homolog 1; plus strand). Cytogenetic location: 16p13.3.
Variant type: single nucleotide variant.
Coding change: c.191A>T on transcript NM_018723.4 (MANE Select); coding-DNA position 191, A replaced by T.
Protein change: p.Asn64Ile; replaces asparagine 64 with isoleucine.
Molecular consequence: missense variant.
Genome position (GRCh38, 1-based): chr16:7,518,310, A>T. VCF-style: chr16-7518310-A-T. GRCh37 (hg19) VCF-style: chr16-7568312-A-T.
Other names: c.191A>T, p.Asn64Ile (NM_001142333.2, NM_001142334.2, NM_001364800.2); c.320A>T, p.Asn107Ile (NM_001308117.1); c.251A>T, p.Asn84Ile (NM_145891.3, NM_145892.3, NM_145893.3); short protein forms N107I, N84I, N64I.
Identifiers: ClinVar variation 1352585 (VCV001352585.6), dbSNP rs753108920, ClinGen allele CA7891353.